The following is an entry in ClinVar:

ClinVar aggregate classification (germline): Conflicting classifications of pathogenicity. Review status: criteria provided, conflicting classifications (1 of 4 stars). 5 submissions from 5 submitters: Uncertain significance (1); Benign (1); Likely benign (3). Last evaluated 2026-01-28.

Allele frequency attached by ClinVar (database versions not stated): 1000 Genomes Project 30x 0.00078; 1000 Genomes Project 0.00080; gnomAD exomes 0.00233; TOPMed 0.00249; ExAC 0.00251; gnomAD 0.00264 and 0.00271; ESP Exome Variant Server 0.00370.
gnomAD v4.1: 6,596 of 1,600,260 alleles (0.41%); highest among the groups gnomAD compares: Non-Finnish European, 0.53%; 20 homozygotes.

Submissions (5):

Labcorp Genetics (formerly Invitae), Labcorp
Classification: Benign. Last evaluated: 2026-01-28. Review status: criteria provided, single submitter. Criteria: Invitae Variant Classification Sherloc (09022015). Collection method: clinical testing. Allele origin: germline.

Blueprint Genetics
Classification: Likely benign. Last evaluated: 2024-11-11. Review status: criteria provided, single submitter. Criteria: ACMG Guidelines, 2015. Collection method: clinical testing. Allele origin: germline.

CeGaT Center for Human Genetics Tuebingen
Classification: Likely benign. Last evaluated: 2022-08-01. Review status: criteria provided, single submitter. Criteria: CeGaT Center For Human Genetics Tuebingen Variant Classification Criteria Version 2. Collection method: clinical testing. Allele origin: germline. Affected: yes. Observed: 1 variant allele.
Comment: SLC34A3: BP4, BP7

GeneDx
Classification: Likely benign. Last evaluated: 2019-11-20. Review status: criteria provided, single submitter. Criteria: GeneDx Variant Classification Process June 2021. Collection method: clinical testing. Allele origin: germline. Affected: yes.

Eurofins Ntd Llc (ga)
Classification: Uncertain significance. Last evaluated: 2017-12-28. Review status: criteria provided, single submitter. Criteria: EGL Classification Definitions 2015. Collection method: clinical testing. Allele origin: germline. Observed: 4 variant alleles, 4 heterozygotes.

NM_001177316.2(SLC34A3):c.1149C>T (p.Ala383=)

Gene: SLC34A3 (solute carrier family 34 member 3; plus strand). Cytogenetic location: 9q34.3.
Variant type: single nucleotide variant.
Coding change: c.1149C>T on transcript NM_001177316.2 (MANE Select); coding-DNA position 1149, C replaced by T.
Protein change: p.Ala383=; no amino-acid change (alanine 383 retained).
Molecular consequence: synonymous variant.
Genome position (GRCh38, 1-based): chr9:137,234,471, C>T. VCF-style: chr9-137234471-C-T. GRCh37 (hg19) VCF-style: chr9-140128923-C-T.
Other names: c.1149C>T, p.Ala383= (NM_001177317.2, NM_080877.3).
Identifiers: ClinVar variation 193939 (VCV000193939.44), dbSNP rs199536442, ClinGen allele CA239678.
Genomic context (GRCh38, chr9:137,234,471, plus strand): 5'-CACAGACTTCCCCTTCCCGCTGGGCTGGCTCGGCGGCTACCTGGCCGTCCTCGCGGGCGC[C>T]GGCCTGACCTTCGCACTGCAGAGCAGCAGCGTCTTCACGGCGGCCGTCGTGCCCCTCATG-3'
Protein context (NP_001170787.2, residues 373-393): LGGYLAVLAG[Ala383=]GLTFALQSSS